The following is an entry in ClinVar:

ClinVar aggregate classification (germline): Pathogenic/Likely pathogenic. Review status: criteria provided, multiple submitters, no conflicts (2 of 4 stars). 10 submissions from 10 submitters: Pathogenic (7); Likely pathogenic (2). 1 of the submissions does not count toward it. Last evaluated 2026-08-06.

Conditions:
Niemann-Pick disease, type A. Also called: Infantile Neurovisceral ASMD (Niemann-Pick Disease Type A; NPD-A); SPHINGOMYELIN LIPIDOSIS; SPHINGOMYELINASE DEFICIENCY. Identifiers: Orphanet 77292, MedGen C0268242, MONDO:0009756, OMIM 257200. Disease mechanism: loss of function.
Niemann-Pick disease, type B. Also called: Chronic Visceral ASMD (Niemann-Pick Disease Type B; NPD-B). Identifiers: Orphanet 77293, MedGen C0268243, MONDO:0011871, OMIM 607616. Disease mechanism: loss of function.
Sphingomyelin/cholesterol lipidosis. Also called: Niemann-Pick disease. Identifiers: MedGen C0028064, MONDO:0001982.

Allele frequency attached by ClinVar (database versions not stated): ExAC below 0.00001; gnomAD 0.00004; gnomAD exomes 0.00001 and 0.00006; TOPMed 0.00003.
gnomAD v4.1: 92 of 1,613,764 alleles (0.0057%); highest among the groups gnomAD compares: Non-Finnish European, 0.0071%; no homozygotes.

Submissions (10):

OLLIN Analises Genomicas, OLLIN
Classification: Pathogenic for Niemann-Pick disease, type A. Last evaluated: 2026-08-06. Review status: criteria provided, single submitter. Criteria: ACMG Guidelines 2015 PMID 25741868. Collection method: clinical testing. Allele origin: germline.
Comment: This missense variant, located in exon 2 (of 6), has been reported in ClinVar (accession VCV000167709.36) and in gnomAD with an allele frequency of 0.0057%. However, to our knowledge, it has not been reported in the scientific literature. In silico analysis predicts that this variant has a deleterious effect. Another pathogenic variant affecting the same amino acid residue has been reported. According to the currently available evidence, this variant has been classified as pathogenic (PS4, PM2_P, PM5, PP3_S).

Natera, Inc.
Classification: Pathogenic for Niemann-Pick Disease, Types A/B. Last evaluated: 2025-10-29. Review status: criteria provided, single submitter. Criteria: Natera Variant Classification Schema (03/2026). Collection method: clinical testing. Allele origin: germline.
Comment: The c.475T>C variant in SMPD1 is a missense variant predicted to cause substitution of cysteine to arginine at amino acid 159. This variant is rare in the general population with a frequency below the threshold expected for the associated phenotype(s). This variant has been observed in one or more individuals affected with the associated recessive disease, as either homozygous or compound heterozygous with a second variant (PMID: 40106870, 38992987, 16434659, 15234149). Functional studies show that this variant may disrupt protein function (PMID: 8407868). Computational prediction algorithms indicate this variant is likely to affect gene or protein function. Given the available evidence, this variant is classified as Pathogenic.

Labcorp Genetics (formerly Invitae), Labcorp
Classification: Pathogenic for Niemann-Pick disease, type B; Niemann-Pick disease, type A. Last evaluated: 2025-06-20. Review status: criteria provided, single submitter. Criteria: Invitae Variant Classification Sherloc (09022015). Collection method: clinical testing. Allele origin: germline.
Comment: This sequence change replaces cysteine, which is neutral and slightly polar, with arginine, which is basic and polar, at codon 159 of the SMPD1 protein (p.Cys159Arg). The frequency data for this variant in the population databases is considered unreliable, as metrics indicate poor data quality at this position in the gnomAD database. This missense change has been observed in individual(s) with Niemann-Pick disease (PMID: 16434659, 17011332; internal data). This variant is also known as C157R, c.463T>C (p.Cys155Arg) . ClinVar contains an entry for this variant (Variation ID: 167709). Invitae Evidence Modeling of protein sequence and biophysical properties (such as structural, functional, and spatial information, amino acid conservation, physicochemical variation, residue mobility, and thermodynamic stability) indicates that this missense variant is expected to disrupt SMPD1 protein function with a positive predictive value of 95%. Experimental studies have shown that this missense change affects SMPD1 function (PMID: 8407868). For these reasons, this variant has been classified as Pathogenic.

Baylor Genetics
Classification: Pathogenic for Niemann-Pick disease, type A. Last evaluated: 2024-03-26. Review status: criteria provided, single submitter. Criteria: ACMG Guidelines, 2015. Collection method: clinical testing. Allele origin: unknown.

Revvity Omics, Revvity
Classification: Likely pathogenic. Last evaluated: 2023-07-10. Review status: criteria provided, single submitter. Criteria: ACMG Guidelines, 2015. Collection method: clinical testing. Allele origin: germline.

Women's Health and Genetics/Laboratory Corporation of America, LabCorp
Classification: Likely pathogenic for Niemann-Pick disease, type B. Last evaluated: 2023-04-04. Review status: criteria provided, single submitter. Criteria: LabCorp Variant Classification Summary - May 2015. Collection method: clinical testing. Allele origin: germline.
Comment: Variant summary: SMPD1 c.475T>C (p.Cys159Arg) results in a non-conservative amino acid change located in the Saposin B type domain (IPR008139) of the encoded protein sequence. This domain has been reported to have functional importance for ASM catalytic activity (Simonaro_2002). Four of four in-silico tools predict a damaging effect of the variant on protein function. The variant allele was found at a frequency of 1.2e-05 in 250578 control chromosomes (gnomAD). c.475T>C has been reported in the literature in individuals affected with Niemann-Pick disease type B and subsequently cited by others (e.g. McGovern_2004). These data indicate that the variant may be associated with disease. The variant has also been detected in individuals affected with Parkinsons's Disease, without strong evidence for causality (e.g. Robak_2017, Alcalay_2019). At least one publication reports experimental evidence evaluating an impact on protein function. The most pronounced variant effect results in loss of catalytic activity (10%-<30% of normal activity) in vitro (Ida_1993). Five clinical diagnostic laboratories have submitted clinical-significance assessments for this variant to ClinVar after 2014 and all classified the variant as pathogenic/likely pathogenic. Based on the evidence outlined above, the variant was classified as likely pathogenic.

Fulgent Genetics
Classification: Pathogenic for Niemann-Pick disease, type A; Niemann-Pick disease, type B. Last evaluated: 2021-12-14. Review status: criteria provided, single submitter. Criteria: ACMG Guidelines, 2015. Collection method: clinical testing. Allele origin: unknown.

Broad Center for Mendelian Genomics, Broad Institute of MIT and Harvard
Classification: Pathogenic for Sphingomyelin/cholesterol lipidosis. Last evaluated: 2020-01-22. Review status: criteria provided, single submitter. Criteria: ACMG Guidelines, 2015. Collection method: curation. Allele origin: germline. Inheritance: Autosomal recessive inheritance.
Comment: The p.Cys159Arg variant in SMPD1 (also known as p.Cys157Arg due to a difference in cDNA numbering) has been reported in at least 3 individuals with Niemann-Pick disease (PMID: 12369017, 16434659, 17011332) and has been identified in 0.010% (1/10348) of Ashkenazi Jewish chromosomes, 0.004% (1/24922) of African chromosomes, and 0.002% (3/128714) of European (non-Finnish) chromosomes by the Genome Aggregation Database (gnomAD; dbSNP rs727504166). Although this variant has been seen in the general population, its frequency is low enough to be consistent with a recessive carrier frequency. This variant has also has also been reported in ClinVar (VariationID: 167709) as likely pathogenic by Counsyl and Integrated Genetics and as pathogenic by EGL Genetic Diagnostics. In vitro functional studies provide some evidence that the p.Cys159Arg variant may impact protein function (PMID: 8407868). However, these types of assays may not accurately represent biological function. Computational prediction tools and conservation analyses suggest that this variant may impact the protein, though this information is not predictive enough to determine pathogenicity. The presence of this variant in combination with a reported pathogenic variant and in an individual with Niemann-Pick disease increases the likelihood that the p.Cys159Arg variant is pathogenic (VariationID: 2993; 16434659). The p.Cys159Arg variant is located in a region of SMPD1 that is essential to protein folding and stability, suggesting that this variant is in a functional domain and supports pathogenicity (PMID: 12369017, 27725636). In summary, this variant meets criteria to be classified as pathogenic for Niemann-Pick disease in an autosomal recessive manner based on functional studies, its location in a disulfide bond in the saposin domain, and the presence of the variant in combination with another pathogenic variant. ACMG/AMP Criteria applied: PS3, PM2, PM1, PP3, PM3_supporting (Richards 2015).

Eurofins Ntd Llc (ga)
Classification: Pathogenic. Last evaluated: 2014-04-25. Review status: criteria provided, single submitter. Criteria: EGL Classification Definitions 2015. Collection method: clinical testing. Allele origin: germline. Observed: 6 variant alleles, 5 heterozygotes, 1 homozygote.

Counsyl
Classification: Likely pathogenic for Niemann-Pick disease, type A. Last evaluated: 2017-08-22. Review status: no assertion criteria provided. Collection method: clinical testing. Allele origin: unknown. Not counted in ClinVar's aggregate classification.

Literature cited by the submitters: PubMed 40106870 (cited by Natera, Inc.); PubMed 38992987 (cited by Natera, Inc.); PubMed 16434659 (cited by 4 submitters); PubMed 15234149 (cited by Natera, Inc. and Women's Health and Genetics/Laboratory Corporation of America, LabCorp); PubMed 8407868 (cited by 5 submitters); PubMed 17011332 (cited by 4 submitters); PubMed 12369017 (cited by Women's Health and Genetics/Laboratory Corporation of America, LabCorp and Broad Center for Mendelian Genomics, Broad Institute of MIT and Harvard); PubMed 26499107 (cited by Women's Health and Genetics/Laboratory Corporation of America, LabCorp); PubMed 30788890 (cited by Women's Health and Genetics/Laboratory Corporation of America, LabCorp); PubMed 15653433 (cited by Women's Health and Genetics/Laboratory Corporation of America, LabCorp); PubMed 29140481 (cited by Women's Health and Genetics/Laboratory Corporation of America, LabCorp); PubMed 15545621 (cited by Women's Health and Genetics/Laboratory Corporation of America, LabCorp); PubMed 27725636 (cited by Broad Center for Mendelian Genomics, Broad Institute of MIT and Harvard and Counsyl).

NM_000543.5(SMPD1):c.475T>C (p.Cys159Arg)

Gene: SMPD1 (sphingomyelin phosphodiesterase 1; plus strand). Cytogenetic location: 11p15.4.
Variant type: single nucleotide variant.
Coding change: c.475T>C on transcript NM_000543.5 (MANE Select); coding-DNA position 475, T replaced by C.
Protein change: p.Cys159Arg; replaces cysteine 159 with arginine.
Molecular consequence: missense variant. On other transcripts: 5 prime UTR variant (1), non-coding transcript variant (1).
Genome position (GRCh38, 1-based): chr11:6,391,540, T>C. VCF-style: chr11-6391540-T-C. GRCh37 (hg19) VCF-style: chr11-6412770-T-C.
Other names: c.472T>C, p.Cys158Arg (NM_001007593.3); c.475T>C, p.Cys159Arg (NM_001318087.2, NM_001365135.2); c.-487T>C (NM_001318088.2); short protein forms C159R, C158R.
Identifiers: ClinVar variation 167709 (VCV000167709.37), dbSNP rs727504166, ClinGen allele CA273374.
Genomic context (GRCh38, chr11:6,391,540, plus strand): 5'-CTCTTTGAGGATGACATGGTGGAGGTGTGGAGACGCTCAGTGCTGAGCCCATCTGAGGCC[T>C]GTGGCCTGCTCCTGGGCTCCACCTGTGGGCACTGGGACATTTTCTCATCTTGGAACATCT-3'
Protein context (NP_000534.3, residues 149-169): RRSVLSPSEA[Cys159Arg]GLLLGSTCGH